The following is an entry in ClinVar:

ClinVar aggregate classification (germline): Uncertain significance (1 of 4 stars; one submission).

Submission:

Ambry Genetics
Classification: Uncertain significance. Last evaluated: 2024-10-24. Review status: criteria provided, single submitter. Criteria: Ambry Variant Classification Scheme 2023. Collection method: clinical testing. Allele origin: germline.
Comment: The p.F569S variant (also known as c.1706T>C), located in coding exon 16 of the RAD54L gene, results from a T to C substitution at nucleotide position 1706. The phenylalanine at codon 569 is replaced by serine, an amino acid with highly dissimilar properties. This amino acid position is conserved. In addition, this alteration is predicted to be deleterious by in silico analysis. Since supporting evidence is limited at this time, the clinical significance of this alteration remains unclear.

NM_003579.4(RAD54L):c.1706T>C (p.Phe569Ser)

Gene: RAD54L (RAD54 like; plus strand). Cytogenetic location: 1p34.1.
Variant type: single nucleotide variant.
Coding change: c.1706T>C on transcript NM_003579.4 (MANE Select); coding-DNA position 1706, T replaced by C.
Protein change: p.Phe569Ser; replaces phenylalanine 569 with serine.
Molecular consequence: missense variant.
Genome position (GRCh38, 1-based): chr1:46,274,554, T>C. VCF-style: chr1-46274554-T-C. GRCh37 (hg19) VCF-style: chr1-46740226-T-C.
Other names: c.1706T>C, p.Phe569Ser (NM_001142548.2); c.1166T>C, p.Phe389Ser (NM_001370766.1); short protein forms F569S, F389S.
Identifiers: ClinVar variation 1778459 (VCV001778459.3), dbSNP rs201979352, ClinGen allele CA21898394.